The following is an entry in ClinVar:

NM_015466.4(PTPN23):c.3837G>A (p.Glu1279=)

Gene: PTPN23 (protein tyrosine phosphatase non-receptor type 23; plus strand). Cytogenetic location: 3p21.31.
Variant type: single nucleotide variant.
Coding change: c.3837G>A on transcript NM_015466.4 (MANE Select); coding-DNA position 3837, G replaced by A.
Protein change: p.Glu1279=; no amino-acid change (glutamic acid 1279 retained).
Molecular consequence: synonymous variant.
Genome position (GRCh38, 1-based): chr3:47,411,635, G>A. VCF-style: chr3-47411635-G-A. GRCh37 (hg19) VCF-style: chr3-47453125-G-A.
Other names: c.3459G>A, p.Glu1153= (NM_001304482.2).
Identifiers: ClinVar variation 1609916 (VCV001609916.28), dbSNP rs373138674, ClinGen allele CA2366362.
Genomic context (GRCh38, chr3:47,411,635, plus strand): 5'-AGTGGCAACCCAGGCCCCACTGCCTGGCACAGCTGCTGACTTCTGGCTCATGGTCCATGA[G>A]CAGAAAGTGTCAGTCATTGTCATGCTGGTTTCTGAGGCTGAGATGGAGAAGGTGAGAAGA-3'
Protein context (NP_056281.1, residues 1269-1289): TAADFWLMVH[Glu1279=]QKVSVIVMLV

ClinVar aggregate classification (germline): Likely benign. Review status: criteria provided, multiple submitters, no conflicts (2 of 4 stars). 2 submissions from 2 submitters: Likely benign (2). Last evaluated 2025-08-15.

Allele frequency attached by ClinVar (database versions not stated): ExAC 0.00003; gnomAD exomes 0.00003 and 0.00005; gnomAD 0.00005; TOPMed 0.00006; ESP Exome Variant Server 0.00008.
gnomAD v4.1: 76 of 1,610,736 alleles (0.0047%); highest among the groups gnomAD compares: Non-Finnish European, 0.006%; no homozygotes.

Submissions (2):

Labcorp Genetics (formerly Invitae), Labcorp
Classification: Likely benign. Last evaluated: 2025-08-15. Review status: criteria provided, single submitter. Criteria: Invitae Variant Classification Sherloc (09022015). Collection method: clinical testing. Allele origin: germline.

CeGaT Center for Human Genetics Tuebingen
Classification: Likely benign. Last evaluated: 2024-04-01. Review status: criteria provided, single submitter. Criteria: CeGaT Center For Human Genetics Tuebingen Variant Classification Criteria Version 2. Collection method: clinical testing. Allele origin: germline. Affected: yes. Observed: 1 variant allele.
Comment: PTPN23: BP4, BP7